The following is an entry in ClinVar:

NM_001694.4(ATP6V0C):c.395T>A (p.Ile132Asn)

Gene: ATP6V0C (ATPase H+ transporting V0 subunit c; plus strand). Cytogenetic location: 16p13.3.
Variant type: single nucleotide variant.
Coding change: c.395T>A on transcript NM_001694.4 (MANE Select); coding-DNA position 395, T replaced by A.
Protein change: p.Ile132Asn; replaces isoleucine 132 with asparagine.
Molecular consequence: missense variant.
Genome position (GRCh38, 1-based): chr16:2,519,672, T>A. VCF-style: chr16-2519672-T-A. GRCh37 (hg19) VCF-style: chr16-2569673-T-A.
Other names: c.395T>A, p.Ile132Asn (NM_001198569.2); short protein forms I132N.
Identifiers: ClinVar variation 3253294 (VCV003253294.1), dbSNP rs2505559061.

ClinVar aggregate classification (germline): Likely pathogenic (1 of 4 stars; one submission).

Submission:

GeneDx
Classification: Likely pathogenic. Last evaluated: 2022-11-04. Review status: criteria provided, single submitter. Criteria: GeneDx Variant Classification Process June 2021. Collection method: clinical testing. Allele origin: germline. Affected: yes.
Comment: Not observed at significant frequency in large population cohorts (gnomAD); In silico analysis supports that this missense variant has a deleterious effect on protein structure/function; This variant is associated with the following publications: (PMID: 36074901)